The following is an entry in ClinVar:

ClinVar aggregate classification (germline): Uncertain significance (1 of 4 stars; one submission).

Conditions:
Hereditary cancer-predisposing syndrome. Also called: Hereditary Cancer Syndrome; Hereditary neoplastic syndrome; Neoplastic Syndromes, Hereditary; Tumor predisposition. Identifiers: Orphanet 140162, MedGen C0027672, MeSH D009386, MONDO:0015356.

Submission:

Ambry Genetics
Classification: Uncertain significance for Hereditary cancer-predisposing syndrome. Last evaluated: 2024-07-28. Review status: criteria provided, single submitter. Criteria: Ambry Variant Classification Scheme 2023. Collection method: clinical testing. Allele origin: germline.
Comment: The p.A14V variant (also known as c.41C>T), located in coding exon 1 of the EPCAM gene, results from a C to T substitution at nucleotide position 41. The alanine at codon 14 is replaced by valine, an amino acid with similar properties. This amino acid position is conserved. In addition, this alteration is predicted to be tolerated by in silico analysis. Since supporting evidence is limited at this time, the clinical significance of this alteration remains unclear.

NM_002354.3(EPCAM):c.41C>T (p.Ala14Val)

Gene: EPCAM (epithelial cell adhesion molecule; plus strand). Cytogenetic location: 2p21.
Variant type: single nucleotide variant.
Coding change: c.41C>T on transcript NM_002354.3 (MANE Select); coding-DNA position 41, C replaced by T.
Protein change: p.Ala14Val; replaces alanine 14 with valine.
Molecular consequence: missense variant.
Genome position (GRCh38, 1-based): chr2:47,369,546, C>T. VCF-style: chr2-47369546-C-T. GRCh37 (hg19) VCF-style: chr2-47596685-C-T.
Other names: short protein forms A14V.
Identifiers: ClinVar variation 1738644 (VCV001738644.3), dbSNP rs1444994616, ClinGen allele CA346721390.